The following is an entry in ClinVar:

ClinVar aggregate classification (germline): Uncertain significance (1 of 4 stars; one submission).

Submission:

Labcorp Genetics (formerly Invitae), Labcorp
Classification: Uncertain significance. Last evaluated: 2023-06-04. Review status: criteria provided, single submitter. Criteria: Invitae Variant Classification Sherloc (09022015). Collection method: clinical testing. Allele origin: germline.
Comment: In summary, the available evidence is currently insufficient to determine the role of this variant in disease. Therefore, it has been classified as a Variant of Uncertain Significance. This variant has not been reported in the literature in individuals affected with KIF20A-related conditions. This variant is not present in population databases (gnomAD no frequency). This sequence change creates a premature translational stop signal (p.Val161Argfs*35) in the KIF20A gene. It is expected to result in an absent or disrupted protein product. However, the current clinical and genetic evidence is not sufficient to establish whether loss-of-function variants in KIF20A cause disease.

NM_005733.3(KIF20A):c.454_479dup (p.Val161fs)

Gene: KIF20A (kinesin family member 20A; plus strand). Cytogenetic location: 5q31.2.
Variant type: Duplication.
Coding change: c.454_479dup on transcript NM_005733.3 (MANE Select); coding-DNA positions 454 to 479, 26 bases duplicated (CAGAACTGGCTCATCTATACATATGG).
Protein change: p.Val161fs; shifts the reading frame from valine 161.
Molecular consequence: frameshift variant.
Genome position (GRCh38, 1-based): chr5:138,182,401-138,182,426, CAGAACTGGCTCATCTATACATATGG duplicated; duplicating any 26 consecutive bases within chr5:138,182,399-138,182,426 gives the same sequence; the c. name uses the placement nearest the transcript's 3' end. VCF-style (leftmost placement, unchanged base first): chr5-138182398-G-GGGCAGAACTGGCTCATCTATACATAT. GRCh37 (hg19) VCF-style: chr5-137518087-G-GGGCAGAACTGGCTCATCTATACATAT.
Other names: short protein forms V161fs.
Identifiers: ClinVar variation 2866890 (VCV002866890.3), dbSNP rs2482178224, ClinGen allele CA2739275093.